The following is an entry in ClinVar:

NM_001385012.1(NBEA):c.4311G>A (p.Arg1437=)

Gene: NBEA (neurobeachin; plus strand). Cytogenetic location: 13q13.3.
Variant type: single nucleotide variant.
Coding change: c.4311G>A on transcript NM_001385012.1 (MANE Select); coding-DNA position 4311, G replaced by A.
Protein change: p.Arg1437=; no amino-acid change (arginine 1437 retained).
Molecular consequence: synonymous variant.
Genome position (GRCh38, 1-based): chr13:35,171,340, G>A. VCF-style: chr13-35171340-G-A. GRCh37 (hg19) VCF-style: chr13-35745477-G-A.
Other names: c.4302G>A, p.Arg1434= (NM_001379245.1); c.4311G>A, p.Arg1437= (NM_015678.5).
Identifiers: ClinVar variation 4083928 (VCV004083928.8).

ClinVar aggregate classification (germline): Likely benign (1 of 4 stars; one submission).

gnomAD v4.1: 2 of 1,612,404 alleles (0.00012%); highest among the groups gnomAD compares: African/African-American, 0.0013%; no homozygotes.

Submission:

CeGaT Center for Human Genetics Tuebingen
Classification: Likely benign. Last evaluated: 2025-06-01. Review status: criteria provided, single submitter. Criteria: CeGaT Center For Human Genetics Tuebingen Variant Classification Criteria Version 2. Collection method: clinical testing. Allele origin: germline. Affected: yes. Observed: 1 variant allele.
Comment: NBEA: BP4, BP7